The following is an entry in ClinVar:

NM_006846.4(SPINK5):c.1233del (p.Glu412fs)

Gene: SPINK5 (serine peptidase inhibitor Kazal type 5; plus strand). Cytogenetic location: 5q32.
Variant type: Deletion.
Coding change: c.1233del on transcript NM_006846.4 (MANE Select); coding-DNA position 1233, one base deleted (A; older notation c.1233delA).
Protein change: p.Glu412fs; shifts the reading frame from glutamic acid 412.
Molecular consequence: frameshift variant.
Genome position (GRCh38, 1-based): chr5:148,101,367, A deleted; the last of 2 consecutive A bases (chr5:148,101,366-148,101,367); deleting either gives the same sequence. VCF-style (leftmost placement, unchanged base first): chr5-148101365-GA-G. GRCh37 (hg19) VCF-style: chr5-147480928-GA-G.
Other names: c.1233del, p.Glu412fs (NM_001127698.2, NM_001127699.2); short protein forms E412fs.
Identifiers: ClinVar variation 1452231 (VCV001452231.6), dbSNP rs2113120213, ClinGen allele CA2573139238.

ClinVar aggregate classification (germline): Pathogenic (1 of 4 stars; one submission).

Conditions:
Ichthyosis linearis circumflexa. Identifiers: MedGen C0265962, MONDO:0043106, HP:0025810.

Submission:

Labcorp Genetics (formerly Invitae), Labcorp
Classification: Pathogenic for Ichthyosis linearis circumflexa. Last evaluated: 2021-05-14. Review status: criteria provided, single submitter. Criteria: Invitae Variant Classification Sherloc (09022015). Collection method: clinical testing. Allele origin: germline.
Comment: For these reasons, this variant has been classified as Pathogenic. This variant has not been reported in the literature in individuals with SPINK5-related conditions. This variant is not present in population databases (ExAC no frequency). This sequence change creates a premature translational stop signal (p.Glu412Lysfs*92) in the SPINK5 gene. It is expected to result in an absent or disrupted protein product. Loss-of-function variants in SPINK5 are known to be pathogenic (PMID: 11511292, 11841556).

Literature cited by the submitters: PubMed 11511292; PubMed 11841556.